The following is an entry in ClinVar:

NM_000059.4(BRCA2):c.681+1del

Gene: BRCA2 (BRCA2 DNA repair associated; plus strand). Cytogenetic location: 13q13.1.
Variant type: Deletion.
Coding change: c.681+1del on transcript NM_000059.4 (MANE Select); the canonical splice donor site of the intron after coding-DNA position 681, one base deleted (G; older notation c.681+1delG).
Molecular consequence: splice donor variant.
Genome position (GRCh38, 1-based): chr13:32,329,493, G deleted. VCF-style (leftmost placement, unchanged base first): chr13-32329492-TG-T. GRCh37 (hg19) VCF-style: chr13-32903629-TG-T.
Other names: c.681+1del (NM_001406720.1, NM_001406719.1, NM_001406721.1); c.312+1del (NM_001406722.1).
Identifiers: ClinVar variation 2730345 (VCV002730345.3), dbSNP rs2548517073, ClinGen allele CA2697551697.

ClinVar aggregate classification (germline): Likely pathogenic (1 of 4 stars; one submission).

Conditions:
Hereditary breast ovarian cancer syndrome. Also called: Hereditary breast and ovarian cancer syndrome (HBOC); Hereditary breast and/or ovarian cancer syndrome; Hereditary breast and ovarian cancer; Hereditary breast and ovarian cancer syndrome; Breast and ovarian cancer; BRCA1- and BRCA2-Associated Hereditary Breast and Ovarian Cancer. Identifiers: Orphanet 145, MedGen C0677776, MeSH D061325, MONDO:0003582. Disease mechanism: loss of function.

Submission:

Labcorp Genetics (formerly Invitae), Labcorp
Classification: Likely pathogenic for Hereditary breast ovarian cancer syndrome. Last evaluated: 2023-06-28. Review status: criteria provided, single submitter. Criteria: Invitae Variant Classification Sherloc (09022015). Collection method: clinical testing. Allele origin: germline.
Comment: In summary, the currently available evidence indicates that the variant is pathogenic, but additional data are needed to prove that conclusively. Therefore, this variant has been classified as Likely Pathogenic. Algorithms developed to predict the effect of sequence changes on RNA splicing suggest that this variant may disrupt the consensus splice site. This variant has not been reported in the literature in individuals affected with BRCA2-related conditions. This variant is not present in population databases (gnomAD no frequency). This sequence change affects a splice site in intron 8 of the BRCA2 gene. It is expected to disrupt RNA splicing. Variants that disrupt the donor or acceptor splice site typically lead to a loss of protein function (PMID: 16199547), and loss-of-function variants in BRCA2 are known to be pathogenic (PMID: 20104584).

Literature cited by the submitters: PubMed 16199547; PubMed 20104584.